The following is an entry in ClinVar:

NM_004370.6(COL12A1):c.8465G>A (p.Arg2822Gln)

Gene: COL12A1 (collagen type XII alpha 1 chain; minus strand). Cytogenetic location: 6q13.
Variant type: single nucleotide variant.
Coding change: c.8465G>A on transcript NM_004370.6 (MANE Select); coding-DNA position 8465, G replaced by A.
Protein change: p.Arg2822Gln; replaces arginine 2822 with glutamine.
Molecular consequence: missense variant.
Genome position (GRCh38, 1-based): chr6:75,102,003, C>T on the plus strand (G>A on the coding strand, the complement: COL12A1 is on the minus strand). VCF-style: chr6-75102003-C-T. GRCh37 (hg19) VCF-style: chr6-75811719-C-T.
Other names: c.4973G>A, p.Arg1658Gln (NM_080645.3); short protein forms R2822Q, R1658Q.
Identifiers: ClinVar variation 574811 (VCV000574811.10), dbSNP rs756809634, ClinGen allele CA3892265.

ClinVar aggregate classification (germline): Uncertain significance (1 of 4 stars; one submission).

Conditions:
Ullrich congenital muscular dystrophy 2 (UCMD2). Identifiers: Orphanet 75840, MedGen C4225314, MONDO:0014654, OMIM 616470.
Bethlem myopathy 2 (BTHLM2). Identifiers: Orphanet 536516, Orphanet 610, MedGen C4225313, MONDO:0034022, OMIM 616471.

Allele frequency attached by ClinVar (database versions not stated): ExAC 0.00001; gnomAD exomes 0.00002; TOPMed 0.00002; gnomAD 0.00003 and 0.00004.
gnomAD v4.1: 62 of 1,614,118 alleles (0.0038%); highest among the groups gnomAD compares: Non-Finnish European, 0.0049%; no homozygotes.

Submission:

Labcorp Genetics (formerly Invitae), Labcorp
Classification: Uncertain significance for Bethlem myopathy 2; Ullrich congenital muscular dystrophy 2. Last evaluated: 2024-08-24. Review status: criteria provided, single submitter. Criteria: Invitae Variant Classification Sherloc (09022015). Collection method: clinical testing. Allele origin: germline.
Comment: This sequence change replaces arginine, which is basic and polar, with glutamine, which is neutral and polar, at codon 2822 of the COL12A1 protein (p.Arg2822Gln). This variant is present in population databases (rs756809634, gnomAD 0.003%). This variant has not been reported in the literature in individuals affected with COL12A1-related conditions. ClinVar contains an entry for this variant (Variation ID: 574811). An algorithm developed to predict the effect of missense changes on protein structure and function (PolyPhen-2) suggests that this variant is likely to be disruptive. In summary, the available evidence is currently insufficient to determine the role of this variant in disease. Therefore, it has been classified as a Variant of Uncertain Significance.